The following is an entry in ClinVar:

ClinVar aggregate classification (germline): Uncertain significance (1 of 4 stars; one submission).

Submission:

Labcorp Genetics (formerly Invitae), Labcorp
Classification: Uncertain significance. Last evaluated: 2022-07-25. Review status: criteria provided, single submitter. Criteria: Invitae Variant Classification Sherloc (09022015). Collection method: clinical testing. Allele origin: germline.
Comment: This sequence change replaces cysteine, which is neutral and slightly polar, with serine, which is neutral and polar, at codon 246 of the GEN1 protein (p.Cys246Ser). This variant is not present in population databases (gnomAD no frequency). In summary, the available evidence is currently insufficient to determine the role of this variant in disease. Therefore, it has been classified as a Variant of Uncertain Significance. Algorithms developed to predict the effect of missense changes on protein structure and function output the following: SIFT: "Tolerated"; PolyPhen-2: "Benign"; Align-GVGD: "Class C0". The serine amino acid residue is found in multiple mammalian species, which suggests that this missense change does not adversely affect protein function. This variant has not been reported in the literature in individuals affected with GEN1-related conditions.

NM_001130009.3(GEN1):c.737G>C (p.Cys246Ser)

Gene: GEN1 (GEN1 structure-specific endonuclease; plus strand). Cytogenetic location: 2p24.2.
Variant type: single nucleotide variant.
Coding change: c.737G>C on transcript NM_001130009.3 (MANE Select); coding-DNA position 737, G replaced by C.
Protein change: p.Cys246Ser; replaces cysteine 246 with serine.
Molecular consequence: missense variant.
Genome position (GRCh38, 1-based): chr2:17,771,222, G>C. VCF-style: chr2-17771222-G-C. GRCh37 (hg19) VCF-style: chr2-17952489-G-C.
Other names: c.737G>C, p.Cys246Ser (NM_182625.5); short protein forms C246S.
Identifiers: ClinVar variation 1713791 (VCV001713791.5), dbSNP rs753219352, ClinGen allele CA345914805.